The following is an entry in ClinVar:

NM_005045.4(RELN):c.1194C>T (p.Gly398=)

Gene: RELN (reelin; minus strand). Cytogenetic location: 7q22.1.
Variant type: single nucleotide variant.
Coding change: c.1194C>T on transcript NM_005045.4 (MANE Select); coding-DNA position 1194, C replaced by T.
Protein change: p.Gly398=; no amino-acid change (glycine 398 retained).
Molecular consequence: synonymous variant.
Genome position (GRCh38, 1-based): chr7:103,682,211, G>A on the plus strand (C>T on the coding strand, the complement: RELN is on the minus strand). VCF-style: chr7-103682211-G-A. GRCh37 (hg19) VCF-style: chr7-103322658-G-A.
Other names: c.1194C>T, p.Gly398= (NM_173054.3).
Identifiers: ClinVar variation 542584 (VCV000542584.16), dbSNP rs761288381, ClinGen allele CA4422335.

ClinVar aggregate classification (germline): Likely benign. Review status: criteria provided, multiple submitters, no conflicts (2 of 4 stars). 2 submissions from 2 submitters: Likely benign (2). Last evaluated 2025-11-01.

Conditions:
Familial temporal lobe epilepsy 7. Identifiers: Orphanet 101046, MedGen C4225327, MONDO:0014639, OMIM 616436.
Norman-Roberts syndrome (LIS2). Also called: Lissencephaly 2 (Norman-Roberts type). Identifiers: Orphanet 89844, MedGen C0796089, MONDO:0009760, OMIM 257320.

Allele frequency attached by ClinVar (database versions not stated): ExAC 0.00001.
gnomAD v4.1: 9 of 1,613,942 alleles (0.00056%); highest among the groups gnomAD compares: South Asian, 0.0099%; no homozygotes.

Submissions (2):

CeGaT Center for Human Genetics Tuebingen
Classification: Likely benign. Last evaluated: 2025-11-01. Review status: criteria provided, single submitter. Criteria: CeGaT Center For Human Genetics Tuebingen Variant Classification Criteria Version 2. Collection method: clinical testing. Allele origin: germline. Affected: yes. Observed: 1 variant allele.
Comment: RELN: BP4, BP7

Labcorp Genetics (formerly Invitae), Labcorp
Classification: Likely benign for Familial temporal lobe epilepsy 7; Norman-Roberts syndrome. Last evaluated: 2024-02-20. Review status: criteria provided, single submitter. Criteria: Invitae Variant Classification Sherloc (09022015). Collection method: clinical testing. Allele origin: germline.